The following is an entry in ClinVar:

NM_000136.3(FANCC):c.1456C>G (p.Leu486Val)

Genes: AOPEP (aminopeptidase O (putative); plus strand), FANCC (FA complementation group C; minus strand). Cytogenetic location: 9q22.32.
Variant type: single nucleotide variant.
Coding change: c.1456C>G on transcript NM_000136.3 (MANE Select); coding-DNA position 1456, C replaced by G.
Protein change: p.Leu486Val; replaces leucine 486 with valine.
Molecular consequence: missense variant.
Genome position (GRCh38, 1-based): chr9:95,107,143, G>C on the plus strand (C>G on the coding strand, the complement: FANCC is on the minus strand). VCF-style: chr9-95107143-G-C. GRCh37 (hg19) VCF-style: chr9-97869425-G-C.
Other names: c.1456C>G, p.Leu486Val (NM_001243743.2); short protein forms L486V.
Identifiers: ClinVar variation 1305269 (VCV001305269.2), dbSNP rs761050718, ClinGen allele CA374105824.

ClinVar aggregate classification (germline): Uncertain significance (1 of 4 stars; one submission).

gnomAD v4.1: 3 of 1,614,230 alleles (0.00019%); highest among the groups gnomAD compares: Non-Finnish European, 0.00025%; no homozygotes.

Submission:

GeneDx
Classification: Uncertain significance. Last evaluated: 2019-04-19. Review status: criteria provided, single submitter. Criteria: GeneDx Variant Classification Process June 2021. Collection method: clinical testing. Allele origin: germline. Affected: yes.
Comment: Not observed in large population cohorts (Lek et al., 2016); Has not been previously published as pathogenic or benign to our knowledge